The following is an entry in ClinVar:

NM_001164508.2(NEB):c.402+4_402+27del

Gene: NEB (nebulin; minus strand). Cytogenetic location: 2q23.3.
Variant type: Deletion.
Coding change: c.402+4_402+27del on transcript NM_001164508.2 (MANE Select); bases 4 to 27 of the intron after coding-DNA position 402, 24 bases deleted (GGCTGCATTGCTGAAATAAAGGAG).
Molecular consequence: intron variant.
Genome position (GRCh38, 1-based): chr2:151,725,426-151,725,449, CTCCTTTATTTCAGCAATGCAGCC deleted on the plus strand (GGCTGCATTGCTGAAATAAAGGAG on the coding strand, the reverse complement: NEB is on the minus strand); deleting any 24 consecutive bases within chr2:151,725,426-151,725,450 gives the same sequence; the c. name uses the placement nearest the transcript's 3' end. VCF-style (leftmost placement, unchanged base first): chr2-151725425-TCTCCTTTATTTCAGCAATGCAGCC-T. GRCh37 (hg19) VCF-style: chr2-152581939-TCTCCTTTATTTCAGCAATGCAGCC-T.
Other names: c.402+4_402+27del (NM_004543.5, NM_001164507.2, NM_001271208.2); c.402+4_402+27del24 (NM_001271208.2).
Identifiers: ClinVar variation 2146329 (VCV002146329.2), dbSNP rs780433390, ClinGen allele CA1911920.

ClinVar aggregate classification (germline): Uncertain significance. Review status: criteria provided, multiple submitters, no conflicts (2 of 4 stars). 2 submissions from 2 submitters: Uncertain significance (2). Last evaluated 2024-02-19.

Conditions:
Nemaline myopathy 2 (NEM2). Also called: Nemaline myopathy 2, autosomal recessive. Identifiers: MedGen C1850569, MONDO:0009725, OMIM 256030.

Submissions (2):

Women's Health and Genetics/Laboratory Corporation of America, LabCorp
Classification: Uncertain significance. Last evaluated: 2024-02-19. Review status: criteria provided, single submitter. Criteria: LabCorp Variant Classification Summary - May 2015. Collection method: clinical testing. Allele origin: germline.

Labcorp Genetics (formerly Invitae), Labcorp
Classification: Uncertain significance for Nemaline myopathy 2. Last evaluated: 2022-06-24. Review status: criteria provided, single submitter. Criteria: Invitae Variant Classification Sherloc (09022015). Collection method: clinical testing. Allele origin: germline.
Comment: This sequence change falls in intron 6 of the NEB gene. It does not directly change the encoded amino acid sequence of the NEB protein. It affects a nucleotide within the consensus splice site. This variant is present in population databases (rs780433390, gnomAD 0.0009%). This variant has not been reported in the literature in individuals affected with NEB-related conditions. Variants that disrupt the consensus splice site are a relatively common cause of aberrant splicing (PMID: 17576681, 9536098). Algorithms developed to predict the effect of sequence changes on RNA splicing suggest that this variant may disrupt the consensus splice site. In summary, the available evidence is currently insufficient to determine the role of this variant in disease. Therefore, it has been classified as a Variant of Uncertain Significance.

Literature cited by the submitters: PubMed 17576681 (cited by Labcorp Genetics (formerly Invitae), Labcorp); PubMed 9536098 (cited by Labcorp Genetics (formerly Invitae), Labcorp).